The following is an entry in ClinVar:

NM_005219.5(DIAPH1):c.612G>T (p.Glu204Asp)

Gene: DIAPH1 (diaphanous related formin 1; minus strand). Cytogenetic location: 5q31.3.
Variant type: single nucleotide variant.
Coding change: c.612G>T on transcript NM_005219.5 (MANE Select); coding-DNA position 612, G replaced by T.
Protein change: p.Glu204Asp; replaces glutamic acid 204 with aspartic acid.
Molecular consequence: missense variant.
Genome position (GRCh38, 1-based): chr5:141,583,214, C>A on the plus strand (G>T on the coding strand, the complement: DIAPH1 is on the minus strand). VCF-style: chr5-141583214-C-A. GRCh37 (hg19) VCF-style: chr5-140962781-C-A.
Other names: c.585G>T, p.Glu195Asp (NM_001079812.3); c.612G>T, p.Glu204Asp (NM_001314007.2); short protein forms E195D, E204D.
Identifiers: ClinVar variation 4784320 (VCV004784320.1).

ClinVar aggregate classification (germline): Uncertain significance (1 of 4 stars; one submission).

Conditions:
Autosomal dominant nonsyndromic hearing loss 1. Also called: KONIGSMARK SYNDROME; DEAFNESS, AUTOSOMAL DOMINANT 1, WITH OR WITHOUT THROMBOCYTOPENIA. Identifiers: Orphanet 90635, MedGen C1852282, MONDO:0007424, OMIM 124900.
Progressive microcephaly-seizures-cortical blindness-developmental delay syndrome. Also called: Seizures, cortical blindness, and microcephaly syndrome. Identifiers: Orphanet 477814, MedGen C5567650, MONDO:0014714, OMIM 616632.

gnomAD v4.1: 1 of 1,614,146 alleles (0.000062%); highest among the groups gnomAD compares: South Asian, 0.0011%; no homozygotes.

Submission:

Labcorp Genetics (formerly Invitae), Labcorp
Classification: Uncertain significance for Progressive microcephaly-seizures-cortical blindness-developmental delay syndrome; Autosomal dominant nonsyndromic hearing loss 1. Last evaluated: 2025-03-03. Review status: criteria provided, single submitter. Criteria: Invitae Variant Classification Sherloc (09022015). Collection method: clinical testing. Allele origin: germline.
Comment: This sequence change replaces glutamic acid, which is acidic and polar, with aspartic acid, which is acidic and polar, at codon 204 of the DIAPH1 protein (p.Glu204Asp). This variant is not present in population databases (gnomAD no frequency). This variant has not been reported in the literature in individuals affected with DIAPH1-related conditions. Experimental studies and prediction algorithms are not available or were not evaluated, and the functional significance of this variant is currently unknown. In summary, the available evidence is currently insufficient to determine the role of this variant in disease. Therefore, it has been classified as a Variant of Uncertain Significance.